The following is an entry in ClinVar:

ClinVar aggregate classification (germline): Uncertain significance. Review status: criteria provided, multiple submitters, no conflicts (2 of 4 stars). 2 submissions from 2 submitters: Uncertain significance (2). Last evaluated 2024-12-03.

Conditions:
Inborn genetic diseases. Identifiers: MedGen C0950123, MeSH D030342.

gnomAD v4.1: 2 of 1,613,974 alleles (0.00012%); highest among the groups gnomAD compares: Non-Finnish European, 0.00017%; no homozygotes.

Submissions (2):

Ambry Genetics
Classification: Uncertain significance for Inborn genetic diseases. Last evaluated: 2024-12-03. Review status: criteria provided, single submitter. Criteria: Ambry Variant Classification Scheme 2023. Collection method: clinical testing. Allele origin: germline.
Comment: The p.N265S variant (also known as c.794A>G), located in coding exon 1 of the SAMD9 gene, results from an A to G substitution at nucleotide position 794. The asparagine at codon 265 is replaced by serine, an amino acid with highly similar properties. This amino acid position is conserved. In addition, this alteration is predicted to be tolerated by in silico analysis. Based on the available evidence, the clinical significance of this variant remains unclear.

Labcorp Genetics (formerly Invitae), Labcorp
Classification: Uncertain significance. Last evaluated: 2024-03-16. Review status: criteria provided, single submitter. Criteria: Invitae Variant Classification Sherloc (09022015). Collection method: clinical testing. Allele origin: germline.
Comment: This sequence change replaces asparagine, which is neutral and polar, with serine, which is neutral and polar, at codon 265 of the SAMD9 protein (p.Asn265Ser). This variant is not present in population databases (gnomAD no frequency). This variant has not been reported in the literature in individuals affected with SAMD9-related conditions. Advanced modeling of protein sequence and biophysical properties (such as structural, functional, and spatial information, amino acid conservation, physicochemical variation, residue mobility, and thermodynamic stability) performed at Invitae indicates that this missense variant is not expected to disrupt SAMD9 protein function with a negative predictive value of 95%. In summary, the available evidence is currently insufficient to determine the role of this variant in disease. Therefore, it has been classified as a Variant of Uncertain Significance.

NM_017654.4(SAMD9):c.794A>G (p.Asn265Ser)

Gene: SAMD9 (sterile alpha motif domain containing 9; minus strand). Cytogenetic location: 7q21.2.
Variant type: single nucleotide variant.
Coding change: c.794A>G on transcript NM_017654.4 (MANE Select); coding-DNA position 794, A replaced by G.
Protein change: p.Asn265Ser; replaces asparagine 265 with serine.
Molecular consequence: missense variant.
Genome position (GRCh38, 1-based): chr7:93,105,304, T>C on the plus strand (A>G on the coding strand, the complement: SAMD9 is on the minus strand). VCF-style: chr7-93105304-T-C. GRCh37 (hg19) VCF-style: chr7-92734617-T-C.
Other names: c.794A>G, p.Asn265Ser (NM_001193307.2); short protein forms N265S.
Identifiers: ClinVar variation 3437072 (VCV003437072.3).